The following is an entry in ClinVar:

ClinVar aggregate classification (germline): Pathogenic (1 of 4 stars; one submission).

Submission:

GeneDx
Classification: Pathogenic. Last evaluated: 2014-02-06. Review status: criteria provided, single submitter. Criteria: GeneDx Variant Classification (06012015). Collection method: clinical testing. Allele origin: germline. Affected: yes.
Comment: The c.2257dupT mutation in the JAG1 gene causes a frameshift starting with codon Cysteine 753, changes this amino acid to a Leucine residue and creates a premature Stop codon at position 3 of the new reading frame, denoted p.Cys753LeufsX3. This mutation is predicted to cause loss of normal protein function either through protein truncation or nonsense-mediated mRNA decay. The presence of this mutation is consistent with a diagnosis of Alagille syndrome. This variant was found in JAG1

NM_000214.3(JAG1):c.2257dup (p.Cys753fs)

Gene: JAG1 (jagged canonical Notch ligand 1; minus strand). Cytogenetic location: 20p12.2.
Variant type: Duplication.
Coding change: c.2257dup on transcript NM_000214.3 (MANE Select); coding-DNA position 2257, one base duplicated (T; older notation c.2257dupT).
Protein change: p.Cys753fs; shifts the reading frame from cysteine 753.
Molecular consequence: frameshift variant.
Genome position (GRCh38, 1-based): chr20:10,644,950, A duplicated on the plus strand (T on the coding strand, the reverse complement: JAG1 is on the minus strand). VCF-style (leftmost placement, unchanged base first): chr20-10644949-C-CA. GRCh37 (hg19) VCF-style: chr20-10625597-C-CA.
Other names: c.2257dup, p.Cys753fs (LRG_1191t1); short protein forms C753fs.
Identifiers: ClinVar variation 213559 (VCV000213559.1), dbSNP rs863223672, ClinGen allele CA324833.